The following is an entry in ClinVar:

NM_201384.3(PLEC):c.7481G>A (p.Ser2494Asn)

Gene: PLEC (plectin; minus strand). Cytogenetic location: 8q24.3.
Variant type: single nucleotide variant.
Coding change: c.7481G>A on transcript NM_201384.3 (MANE Select); coding-DNA position 7481, G replaced by A.
Protein change: p.Ser2494Asn; replaces serine 2494 with asparagine.
Molecular consequence: missense variant.
Genome position (GRCh38, 1-based): chr8:143,922,340, C>T on the plus strand (G>A on the coding strand, the complement: PLEC is on the minus strand). VCF-style: chr8-143922340-C-T. GRCh37 (hg19) VCF-style: chr8-144996508-C-T.
Other names: c.7415G>A, p.Ser2472Asn (NM_201379.3); c.7892G>A, p.Ser2631Asn (NM_201380.4); c.7385G>A, p.Ser2462Asn (NM_201381.3); c.7481G>A, p.Ser2494Asn (NM_201382.4); c.7493G>A, p.Ser2498Asn (NM_201383.3); c.7562G>A, p.Ser2521Asn (NM_000445.5); c.4181G>A, p.Ser1394Asn (NM_001410941.1); c.7439G>A, p.Ser2480Asn (NM_201378.4); short protein forms S2472N, S2494N, S2498N, S2521N, S1394N, S2480N, S2631N, S2462N.
Identifiers: ClinVar variation 2931816 (VCV002931816.3), dbSNP rs1554689434, ClinGen allele CA372525077.

ClinVar aggregate classification (germline): Uncertain significance (1 of 4 stars; one submission).

Conditions:
Epidermolysis bullosa simplex with nail dystrophy (EBS5D). Identifiers: MedGen C4225309, MONDO:0014661, OMIM 616487.
Epidermolysis bullosa simplex 5B, with muscular dystrophy (EBS5B). Also called: EPIDERMOLYSIS BULLOSA SIMPLEX AND LIMB-GIRDLE MUSCULAR DYSTROPHY; Epidermolysis bullosa simplex with muscular dystrophy. Identifiers: Orphanet 257, MedGen C2931072, MONDO:0009181, OMIM 226670.
Epidermolysis bullosa simplex 5C, with pyloric atresia (EBS5C). Also called: PLEC-Related Epidermolysis Bullosa with Pyloric Atresia; Epidermolysis bullosa simplex with pyloric atresia; PLEC1-Related Epidermolysis Bullosa with Pyloric Atresia. Identifiers: Orphanet 158684, MedGen C2677349, MONDO:0012807, OMIM 612138.
Autosomal recessive limb-girdle muscular dystrophy type 2Q (LGMDR17). Also called: MUSCULAR DYSTROPHY, LIMB-GIRDLE, AUTOSOMAL RECESSIVE 17. Identifiers: Orphanet 254361, MedGen C3150989, MONDO:0013390, OMIM 613723.
Epidermolysis bullosa simplex, Ogna type (EBS5A). Also called: Pidermolysis bullosa simplex 5A, Ogna type; EPIDERMOLYSIS BULLOSA SIMPLEX 5A, OGNA TYPE. Identifiers: Orphanet 79401, MedGen C0432317, MONDO:0007555, OMIM 131950.

Allele frequency attached by ClinVar (database versions not stated): gnomAD exomes below 0.00001.
gnomAD v4.1: 1 of 1,606,104 alleles (0.000062%); highest among the groups gnomAD compares: Non-Finnish European, 0.000085%; no homozygotes.

Submission:

Labcorp Genetics (formerly Invitae), Labcorp
Classification: Uncertain significance for Autosomal recessive limb-girdle muscular dystrophy type 2Q; Epidermolysis bullosa simplex, Ogna type; Epidermolysis bullosa simplex with nail dystrophy; Epidermolysis bullosa simplex 5C, with pyloric atresia; Epidermolysis bullosa simplex 5B, with muscular dystrophy. Last evaluated: 2023-03-31. Review status: criteria provided, single submitter. Criteria: Invitae Variant Classification Sherloc (09022015). Collection method: clinical testing. Allele origin: germline.
Comment: In summary, the available evidence is currently insufficient to determine the role of this variant in disease. Therefore, it has been classified as a Variant of Uncertain Significance. An algorithm developed to predict the effect of missense changes on protein structure and function (PolyPhen-2) suggests that this variant is likely to be disruptive. This variant has not been reported in the literature in individuals affected with PLEC-related conditions. This variant is not present in population databases (gnomAD no frequency). This sequence change replaces serine, which is neutral and polar, with asparagine, which is neutral and polar, at codon 2521 of the PLEC protein (p.Ser2521Asn).